The following is an entry in ClinVar:

NM_198525.3(KIF7):c.2328T>G (p.Asp776Glu)

Gene: KIF7 (kinesin family member 7; minus strand). Cytogenetic location: 15q26.1.
Variant type: single nucleotide variant.
Coding change: c.2328T>G on transcript NM_198525.3 (MANE Select); coding-DNA position 2328, T replaced by G.
Protein change: p.Asp776Glu; replaces aspartic acid 776 with glutamic acid.
Molecular consequence: missense variant.
Genome position (GRCh38, 1-based): chr15:89,642,269, A>C on the plus strand (T>G on the coding strand, the complement: KIF7 is on the minus strand). VCF-style: chr15-89642269-A-C. GRCh37 (hg19) VCF-style: chr15-90185500-A-C.
Other names: short protein forms D776E.
Identifiers: ClinVar variation 1723706 (VCV001723706.7), dbSNP rs769667870, ClinGen allele CA7728235.

ClinVar aggregate classification (germline): Uncertain significance. Review status: criteria provided, multiple submitters, no conflicts (2 of 4 stars). 2 submissions from 2 submitters: Uncertain significance (2). Last evaluated 2022-05-12.

Conditions:
Acrocallosal syndrome (ACLS). Also called: HALLUX DUPLICATION, POSTAXIAL POLYDACTYLY, AND ABSENCE OF CORPUS CALLOSUM; Schinzel syndrome 1; Absence of corpus callosum with unusual facial appearance, mental deficiency, duplication of the halluces and polydactyly. Identifiers: Orphanet 36, MedGen C0796147, MONDO:0008708, OMIM 200990.

Allele frequency attached by ClinVar (database versions not stated): TOPMed below 0.00001; ExAC 0.00001; gnomAD 0.00001.
gnomAD v4.1: 41 of 1,610,460 alleles (0.0025%); highest among the groups gnomAD compares: East Asian, 0.027%; no homozygotes.

Submissions (2):

GeneDx
Classification: Uncertain significance. Last evaluated: 2022-05-12. Review status: criteria provided, single submitter. Criteria: GeneDx Variant Classification Process June 2021. Collection method: clinical testing. Allele origin: germline. Affected: yes.
Comment: Not observed at significant frequency in large population cohorts (gnomAD); In silico analysis supports that this missense variant has a deleterious effect on protein structure/function; Has not been previously published as pathogenic or benign to our knowledge

Labcorp Genetics (formerly Invitae), Labcorp
Classification: Uncertain significance for Acrocallosal syndrome. Last evaluated: 2022-03-13. Review status: criteria provided, single submitter. Criteria: Invitae Variant Classification Sherloc (09022015). Collection method: clinical testing. Allele origin: germline.
Comment: This sequence change replaces aspartic acid, which is acidic and polar, with glutamic acid, which is acidic and polar, at codon 776 of the KIF7 protein (p.Asp776Glu). In summary, the available evidence is currently insufficient to determine the role of this variant in disease. Therefore, it has been classified as a Variant of Uncertain Significance. Algorithms developed to predict the effect of missense changes on protein structure and function are either unavailable or do not agree on the potential impact of this missense change (SIFT: "Deleterious"; PolyPhen-2: "Probably Damaging"; Align-GVGD: "Class C0"). This variant has not been reported in the literature in individuals affected with KIF7-related conditions. This variant is present in population databases (rs769667870, gnomAD 0.004%).